The following is an entry in ClinVar:

ClinVar aggregate classification (germline): Uncertain significance (1 of 4 stars; one submission).

Submission:

Labcorp Genetics (formerly Invitae), Labcorp
Classification: Uncertain significance. Last evaluated: 2022-07-14. Review status: criteria provided, single submitter. Criteria: Invitae Variant Classification Sherloc (09022015). Collection method: clinical testing. Allele origin: germline.
Comment: In summary, the available evidence is currently insufficient to determine the role of this variant in disease. Therefore, it has been classified as a Variant of Uncertain Significance. Algorithms developed to predict the effect of missense changes on protein structure and function (SIFT, PolyPhen-2, Align-GVGD) all suggest that this variant is likely to be tolerated. This variant has not been reported in the literature in individuals affected with LOXL3-related conditions. This variant is not present in population databases (gnomAD no frequency). This sequence change replaces threonine, which is neutral and polar, with arginine, which is basic and polar, at codon 493 of the LOXL3 protein (p.Thr493Arg).

NM_032603.5(LOXL3):c.1478C>G (p.Thr493Arg)

Gene: LOXL3 (lysyl oxidase like 3; minus strand). Cytogenetic location: 2p13.1.
Variant type: single nucleotide variant.
Coding change: c.1478C>G on transcript NM_032603.5 (MANE Select); coding-DNA position 1478, C replaced by G.
Protein change: p.Thr493Arg; replaces threonine 493 with arginine.
Molecular consequence: missense variant.
Genome position (GRCh38, 1-based): chr2:74,535,393, G>C on the plus strand (C>G on the coding strand, the complement: LOXL3 is on the minus strand). VCF-style: chr2-74535393-G-C. GRCh37 (hg19) VCF-style: chr2-74762520-G-C.
Other names: c.1043C>G, p.Thr348Arg (NM_001289164.3); c.395C>G, p.Thr132Arg (NM_001289165.2); short protein forms T493R, T132R, T348R.
Identifiers: ClinVar variation 1929105 (VCV001929105.5), dbSNP rs1675957153, ClinGen allele CA347387408.